The following is an entry in ClinVar:

ClinVar aggregate classification (germline): Uncertain significance (1 of 4 stars; one submission).

Submission:

Labcorp Genetics (formerly Invitae), Labcorp
Classification: Uncertain significance. Last evaluated: 2020-08-14. Review status: criteria provided, single submitter. Criteria: Invitae Variant Classification Sherloc (09022015). Collection method: clinical testing. Allele origin: germline.
Comment: This sequence change replaces lysine with arginine at codon 857 of the COL2A1 protein (p.Lys857Arg). The lysine residue is highly conserved and there is a small physicochemical difference between lysine and arginine. This variant is not present in population databases (ExAC no frequency). This variant has not been reported in the literature in individuals with COL2A1-related conditions. Algorithms developed to predict the effect of missense changes on protein structure and function are either unavailable or do not agree on the potential impact of this missense change (SIFT: "Deleterious"; PolyPhen-2: "Not Available"; Align-GVGD: "Class C25"). In summary, the available evidence is currently insufficient to determine the role of this variant in disease. Therefore, it has been classified as a Variant of Uncertain Significance.

NM_001844.5(COL2A1):c.2570A>G (p.Lys857Arg)

Gene: COL2A1 (collagen type II alpha 1 chain; minus strand). Cytogenetic location: 12q13.11.
Variant type: single nucleotide variant.
Coding change: c.2570A>G on transcript NM_001844.5 (MANE Select); coding-DNA position 2570, A replaced by G.
Protein change: p.Lys857Arg; replaces lysine 857 with arginine.
Molecular consequence: missense variant.
Genome position (GRCh38, 1-based): chr12:47,980,609, T>C on the plus strand (A>G on the coding strand, the complement: COL2A1 is on the minus strand). VCF-style: chr12-47980609-T-C. GRCh37 (hg19) VCF-style: chr12-48374392-T-C.
Other names: c.2363A>G, p.Lys788Arg (NM_033150.3); short protein forms K788R, K857R.
Identifiers: ClinVar variation 1002732 (VCV001002732.8), dbSNP rs1939002524, ClinGen allele CA384544447.